The following is an entry in ClinVar:

ClinVar aggregate classification (germline): Uncertain significance (1 of 4 stars; one submission).

Conditions:
Hereditary cancer-predisposing syndrome. Also called: Neoplastic Syndromes, Hereditary; Hereditary Cancer Syndrome; Tumor predisposition; Hereditary neoplastic syndrome. Identifiers: Orphanet 140162, MedGen C0027672, MeSH D009386, MONDO:0015356.

Submission:

Ambry Genetics
Classification: Uncertain significance for Hereditary cancer-predisposing syndrome. Last evaluated: 2025-02-08. Review status: criteria provided, single submitter. Criteria: Ambry Variant Classification Scheme 2023. Collection method: clinical testing. Allele origin: germline.
Comment: The p.G1643D variant (also known as c.4928G>A), located in coding exon 34 of the SMARCA4 gene, results from a G to A substitution at nucleotide position 4928. The glycine at codon 1643 is replaced by aspartic acid, an amino acid with similar properties. This amino acid position is conserved. In addition, the in silico prediction for this alteration is inconclusive. Based on the available evidence, the clinical significance of this variant remains unclear.

NM_003072.5(SMARCA4):c.4832G>A (p.Gly1611Asp)

Gene: SMARCA4 (SWI/SNF related BAF chromatin remodeling complex subunit ATPase 4; plus strand). Cytogenetic location: 19p13.2.
Variant type: single nucleotide variant.
Coding change: c.4832G>A on transcript NM_003072.5 (MANE Select); coding-DNA position 4832, G replaced by A.
Protein change: p.Gly1611Asp; replaces glycine 1611 with aspartic acid.
Molecular consequence: missense variant. On other transcripts: non-coding transcript variant (1).
Genome position (GRCh38, 1-based): chr19:11,060,108, G>A. VCF-style: chr19-11060108-G-A. GRCh37 (hg19) VCF-style: chr19-11170784-G-A.
Other names: c.4832G>A, p.Gly1611Asp (NM_001128844.3); c.4742G>A, p.Gly1581Asp (NM_001128845.2); c.4739G>A, p.Gly1580Asp (NM_001128846.2); c.4733G>A, p.Gly1578Asp (NM_001128847.4, NM_001374457.1); c.4730G>A, p.Gly1577Asp (NM_001128848.2); c.4928G>A, p.Gly1643Asp (NM_001128849.3, NM_001387283.1); c.4829G>A, p.Gly1610Asp (NM_001411150.1); short protein forms G1578D, G1581D, G1610D, G1643D, G1577D, G1611D, G1580D.
Identifiers: ClinVar variation 3798918 (VCV003798918.1).